The following is an entry in ClinVar:

ClinVar aggregate classification (germline): Conflicting classifications of pathogenicity. Review status: criteria provided, conflicting classifications (1 of 4 stars). 2 submissions from 2 submitters: Uncertain significance (1); Likely benign (1). Last evaluated 2024-07-01.

Conditions:
Arrhythmogenic right ventricular dysplasia 10. Also called: ARRHYTHMOGENIC RIGHT VENTRICULAR DYSPLASIA, FAMILIAL, 10; Arrhythmogenic Right Ventricular Dysplasia/Cardiomyopathy10; Arrhythmogenic right ventricular dysplasia/cardiomyopathy, type 10. Identifiers: MedGen C1857777, MONDO:0012434, OMIM 610193.
Arrhythmogenic right ventricular cardiomyopathy (ARVD). Also called: Arrhythmogenic right ventricular dysplasia; Cardiomyopathy, ARVC; Arrhythmogenic cardiomyopathy; Arrhythmogenic Right Ventricular Cardiomyopathy (ARVC). Identifiers: Orphanet 247, MedGen C0349788, MeSH D019571, MONDO:0016587. Disease mechanism: loss of function. Inheritance: Various modes of inheritance.

gnomAD v4.1: 3 of 1,614,158 alleles (0.00019%); highest among the groups gnomAD compares: Non-Finnish European, 0.00025%; no homozygotes.

Submissions (2):

Labcorp Genetics (formerly Invitae), Labcorp
Classification: Likely benign for Arrhythmogenic right ventricular dysplasia 10. Last evaluated: 2024-07-01. Review status: criteria provided, single submitter. Criteria: Invitae Variant Classification Sherloc (09022015). Collection method: clinical testing. Allele origin: germline.

All of Us Research Program, National Institutes of Health
Classification: Uncertain significance for Arrhythmogenic right ventricular cardiomyopathy. Last evaluated: 2023-04-03. Review status: criteria provided, single submitter. Criteria: ACMG Guidelines, 2015. Collection method: clinical testing. Allele origin: germline. Inheritance: Autosomal dominant inheritance. Observed: 1 variant allele, 1 heterozygote.
Comment: This variant causes a T to G nucleotide substitution at the -14 position of intron 12 of the DSG2 gene. To our knowledge, functional studies have not been reported for this variant. This variant has not been reported in individuals affected with DSG2-related disorders in the literature. This variant has not been identified in the general population by the Genome Aggregation Database (gnomAD). The available evidence is insufficient to determine the role of this variant in disease conclusively. Therefore, this variant is classified as a Variant of Uncertain Significance.

This study involves interpretation of variants in research participants for the purpose of population health screening. Participant phenotype was not available at the time of variant classification. Additional details can be found in publication PMID: 35346344, PMCID: PMC8962531

NM_001943.5(DSG2):c.1880-14T>G

Gene: DSG2 (desmoglein 2; plus strand). Cytogenetic location: 18q12.1.
Variant type: single nucleotide variant.
Coding change: c.1880-14T>G on transcript NM_001943.5 (MANE Select); 14 bases into the intron before coding-DNA position 1880, T replaced by G.
Molecular consequence: intron variant.
Genome position (GRCh38, 1-based): chr18:31,541,179, T>G. VCF-style: chr18-31541179-T-G. GRCh37 (hg19) VCF-style: chr18-29121142-T-G.
Identifiers: ClinVar variation 3070060 (VCV003070060.3), dbSNP rs2510919909, ClinGen allele CA2641406994.